The following is an entry in ClinVar:

ClinVar aggregate classification (germline): Uncertain significance (1 of 4 stars; one submission).

Submission:

GeneDx
Classification: Uncertain significance. Last evaluated: 2022-08-03. Review status: criteria provided, single submitter. Criteria: GeneDx Variant Classification Process June 2021. Collection method: clinical testing. Allele origin: germline. Affected: yes.
Comment: Not observed at significant frequency in large population cohorts (gnomAD); In silico analysis supports that this missense variant has a deleterious effect on protein structure/function; Has not been previously published as pathogenic or benign to our knowledge

NM_144508.5(KNL1):c.5657C>T (p.Pro1886Leu)

Gene: KNL1 (kinetochore scaffold 1; plus strand). Cytogenetic location: 15q15.1.
Variant type: single nucleotide variant.
Coding change: c.5657C>T on transcript NM_144508.5 (MANE Select); coding-DNA position 5657, C replaced by T.
Protein change: p.Pro1886Leu; replaces proline 1886 with leucine.
Molecular consequence: missense variant.
Genome position (GRCh38, 1-based): chr15:40,629,346, C>T. VCF-style: chr15-40629346-C-T. GRCh37 (hg19) VCF-style: chr15-40921544-C-T.
Other names: c.5735C>T, p.Pro1912Leu (NM_170589.5); short protein forms P1886L, P1912L.
Identifiers: ClinVar variation 1702660 (VCV001702660.2), dbSNP rs2141732035, ClinGen allele CA391771238.